The following is an entry in ClinVar:

NM_001126108.2(SLC12A3):c.1429G>A (p.Ala477Thr)

Gene: SLC12A3 (solute carrier family 12 member 3; plus strand). Cytogenetic location: 16q13.
Variant type: single nucleotide variant.
Coding change: c.1429G>A on transcript NM_001126108.2 (MANE Select); coding-DNA position 1429, G replaced by A.
Protein change: p.Ala477Thr; replaces alanine 477 with threonine.
Molecular consequence: missense variant.
Genome position (GRCh38, 1-based): chr16:56,879,635, G>A. VCF-style: chr16-56879635-G-A. GRCh37 (hg19) VCF-style: chr16-56913547-G-A.
Other names: c.1429G>A, p.Ala477Thr (NM_000339.3); c.1426G>A, p.Ala476Thr (NM_001126107.2); short protein forms A477T, A476T.
Identifiers: ClinVar variation 64414 (VCV000064414.2), dbSNP rs387907470, ClinGen allele CA216090.
Genomic context (GRCh38, chr16:56,879,635, plus strand): 5'-ATCACGGCTGGCATCTTCGGGGCCACCCTCTCCTCTGCCCTGGCCTGCCTTGTCTCTGCT[G>A]CCAAAGTCTTCCAGGTGAGGCCGCAGAAAGGGGTCGAGATGACAGGGGGTGGGGAGCCTG-3'
Protein context (NP_001119580.2, residues 467-487): SSALACLVSA[Ala477Thr]KVFQCLCEDQ

ClinVar aggregate classification (germline): Uncertain significance (0 of 4 stars; one submission).

Allele frequency attached by ClinVar (database versions not stated): gnomAD exomes below 0.00001.

Submission:

Martin Pollak Laboratory,  Beth Israel Deaconess Medical Center
Classification: Uncertain significance. Review status: no assertion criteria provided. Collection method: not provided. Allele origin: unknown.
Comment: Higher UCa2+ group
ClinVar note: Converted during submission from unknown to Uncertain significance.